The following is an entry in ClinVar:

ClinVar aggregate classification (germline): Pathogenic/Likely pathogenic. Review status: criteria provided, multiple submitters, no conflicts (2 of 4 stars). 3 submissions from 3 submitters: Pathogenic (1); Likely pathogenic (2). Last evaluated 2026-08-18.

Conditions:
Familial cancer of breast. Also called: BREAST CANCER, FAMILIAL; hereditary breast carcinoma; Hereditary breast cancer. Identifiers: Orphanet 227535, MedGen C0346153, MONDO:0016419, OMIM 114480. Disease mechanism: loss of function.
Hereditary cancer-predisposing syndrome. Also called: Hereditary neoplastic syndrome; Hereditary Cancer Syndrome; Neoplastic Syndromes, Hereditary; Tumor predisposition. Identifiers: Orphanet 140162, MedGen C0027672, MeSH D009386, MONDO:0015356.

Submissions (3):

Ambry Genetics
Classification: Likely pathogenic for Hereditary cancer-predisposing syndrome. Last evaluated: 2026-08-18. Review status: criteria provided, single submitter. Criteria: Ambry Variant Classification Scheme 2023. Collection method: clinical testing. Allele origin: germline.
Comment: The c.2262delA variant, located in coding exon 11 of the BARD1 gene, results from a deletion of one nucleotide at nucleotide position 2262, causing a translational frameshift with a predicted alternate stop codon (p.V755Sfs*10). This variant occurs at the 3' terminus of the gene, is not expected to trigger nonsense-mediated mRNA decay, and impacts the last 3.1% of the protein. However, premature stop codons are typically deleterious in nature. This variant is considered to be rare based on population cohorts in the Genome Aggregation Database (gnomAD). Based on the majority of available evidence to date, this variant is likely to be pathogenic.

Labcorp Genetics (formerly Invitae), Labcorp
Classification: Likely pathogenic for Familial cancer of breast. Last evaluated: 2026-01-23. Review status: criteria provided, single submitter. Criteria: Invitae Variant Classification Sherloc (09022015). Collection method: clinical testing. Allele origin: germline.
Comment: This sequence change creates a premature translational stop signal (p.Val755Serfs*10) in the BARD1 gene. While this is not anticipated to result in nonsense mediated decay, it is expected to disrupt the last 23 amino acid(s) of the BARD1 protein. This variant is not present in population databases (gnomAD no frequency). This variant has not been reported in the literature in individuals affected with BARD1-related conditions. ClinVar contains an entry for this variant (Variation ID: 2583327). This variant disrupts the C-terminal BRCT domain of BARD1 protein, which is required for chromosome stability and homology-directed repair (PMID: 17848578). A different variant (p.Val767fs) that lies downstream of this variant has been reported to affect BARD1 protein function (PMID: 30925164), this suggests that disruption of this region of the protein is causative of disease. In summary, the currently available evidence indicates that the variant is pathogenic, but additional data are needed to prove that conclusively. Therefore, this variant has been classified as Likely Pathogenic.

Myriad Genetics, Inc.
Classification: Pathogenic for Familial cancer of breast. Last evaluated: 2023-05-25. Review status: criteria provided, single submitter. Criteria: Myriad Autosomal Dominant, Autosomal Recessive and X-Linked Classification Criteria (2023). Collection method: clinical testing. Allele origin: unknown.
Comment: This variant is considered pathogenic. This variant creates a frameshift predicted to result in premature protein truncation.

Literature cited by the submitters: PubMed 17848578 (cited by Labcorp Genetics (formerly Invitae), Labcorp); PubMed 30925164 (cited by Labcorp Genetics (formerly Invitae), Labcorp).

NM_000465.4(BARD1):c.2262del (p.Val755fs)

Gene: BARD1 (BRCA1 associated RING domain 1; minus strand). Cytogenetic location: 2q35.
Variant type: Deletion.
Coding change: c.2262del on transcript NM_000465.4 (MANE Select); coding-DNA position 2262, one base deleted (A; older notation c.2262delA).
Protein change: p.Val755fs; shifts the reading frame from valine 755.
Molecular consequence: frameshift variant. On other transcripts: non-coding transcript variant (3).
Genome position (GRCh38, 1-based): chr2:214,728,748, T deleted on the plus strand (A on the coding strand, the reverse complement: BARD1 is on the minus strand); the first of 3 consecutive T bases (chr2:214,728,748-214,728,750); deleting any one gives the same sequence. VCF-style (leftmost placement, unchanged base first): chr2-214728747-CT-C. GRCh37 (hg19) VCF-style: chr2-215593471-CT-C.
Other names: c.2205del, p.Val736fs (NM_001282543.2); c.909del, p.Val304fs (NM_001282545.2); c.852del, p.Val285fs (NM_001282548.2); c.723del, p.Val242fs (NM_001282549.2); c.2262delA (NM_000465.2); short protein forms V242fs, V285fs, V304fs, V736fs, V755fs.
Identifiers: ClinVar variation 2583327 (VCV002583327.4), dbSNP rs1574702099, ClinGen allele CA2582342077.
Genomic context (GRCh38, chr2:214,728,747, plus strand): 5'-GAGGAAGCAACTCAAAGGACATCACACAGTCTATAAACCAGCTCGAAGGAGCCTTCCAGA[CT>C]TTGCCCTGCCGAACCCTCTCTGGGTGATAATTACACAAATCTTCATAGATGATATACTGT-3'